The following is an entry in ClinVar:

ClinVar aggregate classification (germline): Uncertain significance (1 of 4 stars; one submission).

Submission:

Ambry Genetics
Classification: Uncertain significance. Last evaluated: 2026-06-17. Review status: criteria provided, single submitter. Criteria: Ambry Variant Classification Scheme 2023. Collection method: clinical testing. Allele origin: germline.
Comment: The p.A132G variant (also known as c.395C>G), located in coding exon 1 of the MLH3 gene, results from a C to G substitution at nucleotide position 395. The alanine at codon 132 is replaced by glycine, an amino acid with similar properties. This amino acid position is conserved. In addition, this alteration is predicted to be tolerated by in silico analysis. Based on the available evidence, the clinical significance of this variant remains unclear.

NM_001040108.2(MLH3):c.395C>G (p.Ala132Gly)

Gene: MLH3 (mutL homolog 3; minus strand). Cytogenetic location: 14q24.3.
Variant type: single nucleotide variant.
Coding change: c.395C>G on transcript NM_001040108.2 (MANE Select); coding-DNA position 395, C replaced by G.
Protein change: p.Ala132Gly; replaces alanine 132 with glycine.
Molecular consequence: missense variant.
Genome position (GRCh38, 1-based): chr14:75,049,261, G>C on the plus strand (C>G on the coding strand, the complement: MLH3 is on the minus strand). VCF-style: chr14-75049261-G-C. GRCh37 (hg19) VCF-style: chr14-75515964-G-C.
Other names: c.395C>G, p.Ala132Gly (NM_014381.3); short protein forms A132G.
Identifiers: ClinVar variation 5024569 (VCV005024569.1).